The following is an entry in ClinVar:

NM_001352027.3(PHF21A):c.843del (p.Ile282fs)

Gene: PHF21A (PHD finger protein 21A; minus strand). Cytogenetic location: 11p11.2.
Variant type: Deletion.
Coding change: c.843del on transcript NM_001352027.3 (MANE Select); coding-DNA position 843, one base deleted (C; older notation c.843delC).
Protein change: p.Ile282fs; shifts the reading frame from isoleucine 282.
Molecular consequence: frameshift variant. On other transcripts: non-coding transcript variant (2).
Genome position (GRCh38, 1-based): chr11:45,965,468, G deleted on the plus strand (C on the coding strand, the reverse complement: PHF21A is on the minus strand); the first of 2 consecutive G bases (chr11:45,965,468-45,965,469); deleting either gives the same sequence. VCF-style (leftmost placement, unchanged base first): chr11-45965467-TG-T. GRCh37 (hg19) VCF-style: chr11-45987018-TG-T.
Other names: c.840del, p.Ile281fs (NM_001101802.3, NM_001352030.3, NM_001352031.3 and 1 more transcripts); c.843del, p.Ile282fs (NM_001352025.3, NM_001352026.3, NM_001352028.1 and 2 more transcripts); short protein forms I281fs, I282fs.
Identifiers: ClinVar variation 2576573 (VCV002576573.2), dbSNP rs2497635596, ClinGen allele CA2580615665.

ClinVar aggregate classification (germline): Likely pathogenic (1 of 4 stars; one submission).

Conditions:
Intellectual developmental disorder with behavioral abnormalities and craniofacial dysmorphism with or without seizures. Identifiers: MedGen C5231476, MONDO:0032883, OMIM 618725.

Submission:

Institute of Human Genetics, University of Leipzig Medical Center
Classification: Likely pathogenic for Intellectual developmental disorder with behavioral abnormalities and craniofacial dysmorphism with or without seizures. Last evaluated: 2023-07-27. Review status: criteria provided, single submitter. Criteria: ACMG Guidelines, 2015. Collection method: clinical testing. Allele origin: unknown. Inheritance: Autosomal dominant inheritance. Affected: yes.
Comment: Criteria applied: PVS1,PM2_SUP